The following is an entry in ClinVar:

ClinVar aggregate classification (germline): Uncertain significance. Review status: criteria provided, single submitter (1 of 4 stars). 2 submissions from 2 submitters: Uncertain significance (1). 1 of the submissions does not count toward it. Last evaluated 2025-05-22.

Conditions:
SERPINC1-related disorder. Also called: SERPINC1-related condition.

gnomAD v4.1: 35 of 1,614,184 alleles (0.0022%); highest among the groups gnomAD compares: Non-Finnish European, 0.0029%; no homozygotes.

Submissions (2):

GeneDx
Classification: Uncertain significance. Last evaluated: 2025-05-22. Review status: criteria provided, single submitter. Criteria: GeneDx Variant Classification Process June 2021. Collection method: clinical testing. Allele origin: germline. Affected: yes.
Comment: Not observed at significant frequency in large population cohorts (gnomAD); In silico analysis suggests that this missense variant does not alter protein structure/function; Has not been previously published as pathogenic or benign to our knowledge

PreventionGenetics, part of Exact Sciences
Classification: Uncertain significance for SERPINC1-related condition. Last evaluated: 2024-09-25. Review status: no assertion criteria provided. Collection method: clinical testing. Allele origin: germline. Not counted in ClinVar's aggregate classification.
Comment: The SERPINC1 c.1298C>A variant is predicted to result in the amino acid substitution p.Thr433Asn. To our knowledge, this variant has not been reported in the literature or in a large population database, indicating this variant is rare. At this time, the clinical significance of this variant is uncertain due to the absence of conclusive functional and genetic evidence.

NM_000488.4(SERPINC1):c.1298C>A (p.Thr433Asn)

Gene: SERPINC1 (serpin family C member 1; minus strand). Cytogenetic location: 1q25.1.
Variant type: single nucleotide variant.
Coding change: c.1298C>A on transcript NM_000488.4 (MANE Select); coding-DNA position 1298, C replaced by A.
Protein change: p.Thr433Asn; replaces threonine 433 with asparagine.
Molecular consequence: missense variant.
Genome position (GRCh38, 1-based): chr1:173,903,986, G>T on the plus strand (C>A on the coding strand, the complement: SERPINC1 is on the minus strand). VCF-style: chr1-173903986-G-T. GRCh37 (hg19) VCF-style: chr1-173873124-G-T.
Other names: c.1154C>A, p.Thr385Asn (NM_001365052.2); c.1421C>A, p.Thr474Asn (NM_001386302.1); c.1379C>A, p.Thr460Asn (NM_001386303.1); c.1277C>A, p.Thr426Asn (NM_001386304.1); c.1241C>A, p.Thr414Asn (NM_001386305.1); c.1082C>A, p.Thr361Asn (NM_001386306.1); short protein forms T361N, T385N, T414N, T426N, T433N, T460N, T474N.
Identifiers: ClinVar variation 3347968 (VCV003347968.2).